The following is an entry in ClinVar:

NM_178012.5(TUBB2B):c.145G>A (p.Val49Ile)

Gene: TUBB2B (tubulin beta 2B class IIb; minus strand). Cytogenetic location: 6p25.2.
Variant type: single nucleotide variant.
Coding change: c.145G>A on transcript NM_178012.5 (MANE Select); coding-DNA position 145, G replaced by A.
Protein change: p.Val49Ile; replaces valine 49 with isoleucine.
Molecular consequence: missense variant.
Genome position (GRCh38, 1-based): chr6:3,226,582, C>T on the plus strand (G>A on the coding strand, the complement: TUBB2B is on the minus strand). VCF-style: chr6-3226582-C-T. GRCh37 (hg19) VCF-style: chr6-3226816-C-T.
Other names: short protein forms V49I.
Identifiers: ClinVar variation 4077397 (VCV004077397.2).
Genomic context (GRCh38, chr6:3,226,582, plus strand): 5'-AAAAACTGAAGGGAGTGGGGGTGGGGCAAGGGTGATTACCAGTGGCTTCATTGTAGTAAA[C>T]ATTGATTCTCTCCAGCTGCAAATCACTGTCTCCATGGTAACTGCCAGTGGGGTCAATCCC-3'
Protein context (NP_821080.1, residues 39-59): DSDLQLERIN[Val49Ile]YYNEATGNKY

ClinVar aggregate classification (germline): Likely pathogenic (1 of 4 stars; one submission).

Conditions:
Complex cortical dysplasia with other brain malformations 7. Identifiers: Orphanet 300573, MedGen C3552236, MONDO:0012399, OMIM 610031.

Submission:

Lupski Lab, Baylor-Hopkins CMG, Baylor College of Medicine
Classification: Likely pathogenic for Complex cortical dysplasia with other brain malformations 7. Last evaluated: 2026-04-28. Review status: criteria provided, single submitter. Criteria: ACMG Guidelines, 2015. Collection method: research. Allele origin: biparental. Inheritance: Autosomal recessive inheritance. Affected: yes. Observed: 1 variant allele, 1 homozygote.
Comment: The NM_178012.5 c.145G>A variant is a homozygous missense variant in TUBB2B. The variant co-segregates as homozygous in two affected individuals with phenotypic specificity (PP1_Strong). This variant is absent in gnomAD v4 (PM2_Supporting) and is located in an evolutionarily constrained region. Approximately 95% of missense variants in TUBB2B are pathogenic (PP2_Supporting). The analogous variant p.(Val49Met) in TUBB2A, which is highly homologous to TUBB2B, has been demonstrated in an individual with overlapping phenotypic features, suggesting that Val49 is critical for tubulin function (PM5_Supporting). In summary, this variant meets criteria to be classified as LIKELY PATHOGENIC for TUBB2B-associated disease based on the ACMG/AMP criteria applied: PP1_Strong, PM2_Supporting, PP2_Supporting, and PM5_Supporting.